The following is an entry in ClinVar:

NM_018127.7(ELAC2):c.393del (p.Leu133fs)

Gene: ELAC2 (elaC ribonuclease Z 2; minus strand). Cytogenetic location: 17p12.
Variant type: Deletion.
Coding change: c.393del on transcript NM_018127.7 (MANE Select); coding-DNA position 393, one base deleted (C; older notation c.393delC).
Protein change: p.Leu133fs; shifts the reading frame from leucine 133.
Molecular consequence: frameshift variant.
Genome position (GRCh38, 1-based): chr17:13,015,807, G deleted on the plus strand (C on the coding strand, the reverse complement: ELAC2 is on the minus strand); the first of 2 consecutive G bases (chr17:13,015,807-13,015,808); deleting either gives the same sequence. VCF-style (leftmost placement, unchanged base first): chr17-13015806-CG-C. GRCh37 (hg19) VCF-style: chr17-12919123-CG-C.
Other names: c.393del, p.Leu133fs (NM_173717.2, NM_001165962.2); short protein forms L133fs.
Identifiers: ClinVar variation 4772740 (VCV004772740.1).

ClinVar aggregate classification (germline): Pathogenic (1 of 4 stars; one submission).

Conditions:
Combined oxidative phosphorylation defect type 17. Also called: Combined oxidative phosphorylation deficiency 17. Identifiers: Orphanet 369913, MedGen C3809526, MONDO:0014190, OMIM 615440.

Submission:

Labcorp Genetics (formerly Invitae), Labcorp
Classification: Pathogenic for Combined oxidative phosphorylation defect type 17. Last evaluated: 2025-09-15. Review status: criteria provided, single submitter. Criteria: Invitae Variant Classification Sherloc (09022015). Collection method: clinical testing. Allele origin: germline.
Comment: This sequence change creates a premature translational stop signal (p.Leu133Phefs*26) in the ELAC2 gene. It is expected to result in an absent or disrupted protein product. Loss-of-function variants in ELAC2 are known to be pathogenic (PMID: 27769300, 31045291). This variant is not present in population databases (gnomAD no frequency). This variant has not been reported in the literature in individuals affected with ELAC2-related conditions. For these reasons, this variant has been classified as Pathogenic.

Literature cited by the submitters: PubMed 27769300; PubMed 31045291.